The following is an entry in ClinVar:

NM_004750.5(CRLF1):c.497A>G (p.His166Arg)

Gene: CRLF1 (cytokine receptor like factor 1; minus strand). Cytogenetic location: 19p13.11.
Variant type: single nucleotide variant.
Coding change: c.497A>G on transcript NM_004750.5 (MANE Select); coding-DNA position 497, A replaced by G.
Protein change: p.His166Arg; replaces histidine 166 with arginine.
Molecular consequence: missense variant.
Genome position (GRCh38, 1-based): chr19:18,598,802, T>C on the plus strand (A>G on the coding strand, the complement: CRLF1 is on the minus strand). VCF-style: chr19-18598802-T-C. GRCh37 (hg19) VCF-style: chr19-18709612-T-C.
Other names: short protein forms H166R.
Identifiers: ClinVar variation 1979097 (VCV001979097.4), dbSNP rs1976179407, ClinGen allele CA404851561.

ClinVar aggregate classification (germline): Uncertain significance (1 of 4 stars; one submission).

Allele frequency attached by ClinVar (database versions not stated): TOPMed below 0.00001; gnomAD exomes 0.00001.
gnomAD v4.1: 15 of 1,613,892 alleles (0.00093%); highest among the groups gnomAD compares: African/African-American, 0.004%; no homozygotes.

Submission:

Labcorp Genetics (formerly Invitae), Labcorp
Classification: Uncertain significance. Last evaluated: 2022-03-11. Review status: criteria provided, single submitter. Criteria: Invitae Variant Classification Sherloc (09022015). Collection method: clinical testing. Allele origin: germline.
Comment: This sequence change replaces histidine, which is basic and polar, with arginine, which is basic and polar, at codon 166 of the CRLF1 protein (p.His166Arg). This variant is not present in population databases (gnomAD no frequency). This variant has not been reported in the literature in individuals affected with CRLF1-related conditions. Algorithms developed to predict the effect of missense changes on protein structure and function (SIFT, PolyPhen-2, Align-GVGD) all suggest that this variant is likely to be tolerated. In summary, the available evidence is currently insufficient to determine the role of this variant in disease. Therefore, it has been classified as a Variant of Uncertain Significance.